The following is an entry in ClinVar:

NM_020987.5(ANK3):c.12266G>A (p.Arg4089Gln)

Gene: ANK3 (ankyrin 3; minus strand). Cytogenetic location: 10q21.2.
Variant type: single nucleotide variant.
Coding change: c.12266G>A on transcript NM_020987.5 (MANE Select); coding-DNA position 12266, G replaced by A.
Protein change: p.Arg4089Gln; replaces arginine 4089 with glutamine.
Molecular consequence: missense variant.
Genome position (GRCh38, 1-based): chr10:60,067,988, C>T on the plus strand (G>A on the coding strand, the complement: ANK3 is on the minus strand). VCF-style: chr10-60067988-C-T. GRCh37 (hg19) VCF-style: chr10-61827746-C-T.
Other names: c.1829G>A, p.Arg610Gln (NM_001149.4); c.4409G>A, p.Arg1470Gln (NM_001204403.2); c.4430G>A, p.Arg1477Gln (NM_001204404.2); c.4427G>A, p.Arg1476Gln (NM_001320874.2); short protein forms R1470Q, R4089Q, R610Q, R1476Q, R1477Q.
Identifiers: ClinVar variation 2890248 (VCV002890248.3), dbSNP rs774847086, ClinGen allele CA5510927.
Genomic context (GRCh38, chr10:60,067,988, plus strand): 5'-CACTTACCTGTCCAACTAAGTCCCAGGTGATCGGCTACTATTGCCATCCTGATATCTGTC[C>T]GTTCACATGGACTCTGTGGACCTACGATTTACAATTTCTTAATTAAAATAATCATCAAGA-3'
Protein context (NP_066267.2, residues 4079-4099): RRTGPQSPCE[Arg4089Gln]TDIRMAIVAD

ClinVar aggregate classification (germline): Uncertain significance (1 of 4 stars; one submission).

Allele frequency attached by ClinVar (database versions not stated): ExAC 0.00001; gnomAD exomes 0.00003; gnomAD 0.00004; TOPMed 0.00004.
gnomAD v4.1: 43 of 1,610,066 alleles (0.0027%); highest among the groups gnomAD compares: Non-Finnish European, 0.0034%; no homozygotes.

Submission:

Labcorp Genetics (formerly Invitae), Labcorp
Classification: Uncertain significance. Last evaluated: 2023-10-17. Review status: criteria provided, single submitter. Criteria: Invitae Variant Classification Sherloc (09022015). Collection method: clinical testing. Allele origin: germline.
Comment: This sequence change replaces arginine, which is basic and polar, with glutamine, which is neutral and polar, at codon 4089 of the ANK3 protein (p.Arg4089Gln). This variant is present in population databases (rs774847086, gnomAD 0.004%). This variant has not been reported in the literature in individuals affected with ANK3-related conditions. Advanced modeling of protein sequence and biophysical properties (such as structural, functional, and spatial information, amino acid conservation, physicochemical variation, residue mobility, and thermodynamic stability) performed at Invitae indicates that this missense variant is not expected to disrupt ANK3 protein function. Algorithms developed to predict the effect of sequence changes on RNA splicing suggest that this variant may disrupt the consensus splice site. In summary, the available evidence is currently insufficient to determine the role of this variant in disease. Therefore, it has been classified as a Variant of Uncertain Significance.